The following is an entry in ClinVar:

NM_014845.6(FIG4):c.1799C>T (p.Pro600Leu)

Gene: FIG4 (FIG4 phosphoinositide 5-phosphatase; plus strand). Cytogenetic location: 6q21.
Variant type: single nucleotide variant.
Coding change: c.1799C>T on transcript NM_014845.6 (MANE Select); coding-DNA position 1799, C replaced by T.
Protein change: p.Pro600Leu; replaces proline 600 with leucine.
Molecular consequence: missense variant.
Genome position (GRCh38, 1-based): chr6:109,776,970, C>T. VCF-style: chr6-109776970-C-T. GRCh37 (hg19) VCF-style: chr6-110098173-C-T.
Other names: short protein forms P600L.
Identifiers: ClinVar variation 2110591 (VCV002110591.4), dbSNP rs1777638338, ClinGen allele CA365230047.

ClinVar aggregate classification (germline): Uncertain significance (1 of 4 stars; one submission).

Conditions:
Charcot-Marie-Tooth disease type 4. Also called: Charcot-Marie-Tooth disease, type IV; Charcot-Marie-Tooth, Type 4. Identifiers: Orphanet 64749, MedGen C4082197, MONDO:0018995.

Submission:

Labcorp Genetics (formerly Invitae), Labcorp
Classification: Uncertain significance for Charcot-Marie-Tooth disease type 4. Last evaluated: 2022-03-13. Review status: criteria provided, single submitter. Criteria: Invitae Variant Classification Sherloc (09022015). Collection method: clinical testing. Allele origin: germline.
Comment: In summary, the available evidence is currently insufficient to determine the role of this variant in disease. Therefore, it has been classified as a Variant of Uncertain Significance. Algorithms developed to predict the effect of missense changes on protein structure and function are either unavailable or do not agree on the potential impact of this missense change (SIFT: "Tolerated"; PolyPhen-2: "Probably Damaging"; Align-GVGD: "Class C0"). This variant has not been reported in the literature in individuals affected with FIG4-related conditions. This variant is not present in population databases (gnomAD no frequency). This sequence change replaces proline, which is neutral and non-polar, with leucine, which is neutral and non-polar, at codon 600 of the FIG4 protein (p.Pro600Leu).